The following is an entry in ClinVar:

NM_001367624.2(ZNF469):c.321G>T (p.Arg107Ser)

Gene: ZNF469 (zinc finger protein 469; plus strand). Cytogenetic location: 16q24.2.
Variant type: single nucleotide variant.
Coding change: c.321G>T on transcript NM_001367624.2 (MANE Select); coding-DNA position 321, G replaced by T.
Protein change: p.Arg107Ser; replaces arginine 107 with serine.
Molecular consequence: missense variant.
Genome position (GRCh38, 1-based): chr16:88,427,791, G>T. VCF-style: chr16-88427791-G-T. GRCh37 (hg19) VCF-style: chr16-88494199-G-T.
Other names: short protein forms R107S.
Identifiers: ClinVar variation 1372860 (VCV001372860.6), dbSNP rs1298415521, ClinGen allele CA397059101.
Genomic context (GRCh38, chr16:88,427,791, plus strand): 5'-TGGGAAGAGGGGCAGCCCCCAGACCCCACCGGGGAGAAGCCCCTTGCAGGCTCCCTCAAG[G>T]CTGGCGGGCAGGGCAGAGGGCAGCCCCCCACAGCGCTACATTCTGGGCATCGCCAGCTCG-3'
Protein context (NP_001354553.1, residues 97-117): PGRSPLQAPS[Arg107Ser]LAGRAEGSPP

ClinVar aggregate classification (germline): Uncertain significance (1 of 4 stars; one submission).

Allele frequency attached by ClinVar (database versions not stated): gnomAD 0.00001; TOPMed 0.00001.
gnomAD v4.1: 2 of 1,547,184 alleles (0.00013%); highest among the groups gnomAD compares: African/African-American, 0.0027%; no homozygotes.

Submission:

Labcorp Genetics (formerly Invitae), Labcorp
Classification: Uncertain significance. Last evaluated: 2021-08-06. Review status: criteria provided, single submitter. Criteria: Invitae Variant Classification Sherloc (09022015). Collection method: clinical testing. Allele origin: germline.
Comment: In summary, the available evidence is currently insufficient to determine the role of this variant in disease. Therefore, it has been classified as a Variant of Uncertain Significance. Algorithms developed to predict the effect of missense changes on protein structure and function are either unavailable or do not agree on the potential impact of this missense change (SIFT: "Deleterious"; PolyPhen-2: "Benign"; Align-GVGD: "Class C0"). This variant has not been reported in the literature in individuals affected with ZNF469-related conditions. The frequency data for this variant in the population databases is considered unreliable, as metrics indicate insufficient coverage at this position in the ExAC database. This sequence change replaces arginine with serine at codon 107 of the ZNF469 protein (p.Arg107Ser). The arginine residue is weakly conserved and there is a moderate physicochemical difference between arginine and serine.